The following is an entry in ClinVar:

NM_004385.5(VCAN):c.8753C>T (p.Thr2918Ile)

Genes: VCAN (versican; plus strand), VCAN-AS1 (VCAN antisense RNA 1; minus strand). Cytogenetic location: 5q14.3.
Variant type: single nucleotide variant.
Coding change: c.8753C>T on transcript NM_004385.5 (MANE Select); coding-DNA position 8753, C replaced by T.
Protein change: p.Thr2918Ile; replaces threonine 2918 with isoleucine.
Molecular consequence: missense variant. On other transcripts: intron variant (2).
Genome position (GRCh38, 1-based): chr5:83,541,756, C>T. VCF-style: chr5-83541756-C-T. GRCh37 (hg19) VCF-style: chr5-82837575-C-T.
Other names: c.5792C>T, p.Thr1931Ile (NM_001164097.2); c.4004-3781C>T (NM_001164098.2); c.1043-3781C>T (NM_001126336.3); short protein forms T2918I, T1931I.
Identifiers: ClinVar variation 2056439 (VCV002056439.4), dbSNP rs376374957, ClinGen allele CA3333855.

ClinVar aggregate classification (germline): Uncertain significance (1 of 4 stars; one submission).

Allele frequency attached by ClinVar (database versions not stated): ExAC 0.00001; gnomAD exomes 0.00001; TOPMed 0.00001; ESP Exome Variant Server 0.00008.
gnomAD v4.1: 12 of 1,614,050 alleles (0.00074%); highest among the groups gnomAD compares: Non-Finnish European, 0.001%; no homozygotes.

Submission:

Labcorp Genetics (formerly Invitae), Labcorp
Classification: Uncertain significance. Last evaluated: 2025-03-17. Review status: criteria provided, single submitter. Criteria: Invitae Variant Classification Sherloc (09022015). Collection method: clinical testing. Allele origin: germline.
Comment: This sequence change replaces threonine, which is neutral and polar, with isoleucine, which is neutral and non-polar, at codon 2918 of the VCAN protein (p.Thr2918Ile). This variant is present in population databases (rs376374957, gnomAD 0.004%). This variant has not been reported in the literature in individuals affected with VCAN-related conditions. ClinVar contains an entry for this variant (Variation ID: 2056439). An algorithm developed to predict the effect of missense changes on protein structure and function (PolyPhen-2) suggests that this variant is likely to be disruptive. In summary, the available evidence is currently insufficient to determine the role of this variant in disease. Therefore, it has been classified as a Variant of Uncertain Significance.